The following is an entry in ClinVar:

NM_001042492.3(NF1):c.1213A>G (p.Thr405Ala)

Gene: NF1 (neurofibromin 1; plus strand). Cytogenetic location: 17q11.2.
Variant type: single nucleotide variant.
Coding change: c.1213A>G on transcript NM_001042492.3 (MANE Select); coding-DNA position 1213, A replaced by G.
Protein change: p.Thr405Ala; replaces threonine 405 with alanine.
Molecular consequence: missense variant.
Genome position (GRCh38, 1-based): chr17:31,201,438, A>G. VCF-style: chr17-31201438-A-G. GRCh37 (hg19) VCF-style: chr17-29528456-A-G.
Other names: c.1213A>G, p.Thr405Ala (NM_000267.4, NM_001128147.3); short protein forms T405A.
Identifiers: ClinVar variation 142100 (VCV000142100.17), dbSNP rs587782233, ClinGen allele CA167397.

ClinVar aggregate classification (germline): Conflicting classifications of pathogenicity. Review status: criteria provided, conflicting classifications (1 of 4 stars). 5 submissions from 4 submitters: Uncertain significance (3); Benign (1); Likely benign (1). Last evaluated 2026-08-18.

Conditions:
Cardiovascular phenotype. Identifiers: MedGen CN230736.
Hereditary cancer-predisposing syndrome. Also called: Neoplastic Syndromes, Hereditary; Hereditary Cancer Syndrome; Tumor predisposition; Hereditary neoplastic syndrome. Identifiers: Orphanet 140162, MedGen C0027672, MeSH D009386, MONDO:0015356.
Neurofibromatosis, type 1 (NF1). Also called: NEUROFIBROMATOSIS, TYPE I, SOMATIC; Neurofibromatosis, type I; Peripheral type neurofibromatosis; VON RECKLINGHAUSEN DISEASE. Identifiers: Orphanet 636, MedGen C0027831, MONDO:0018975, OMIM 162200. Disease mechanism: loss of function.

Allele frequency attached by ClinVar (database versions not stated): TOPMed 0.00002; ExAC 0.00002; gnomAD exomes 0.00001 and 0.00002.
gnomAD v4.1: 7 of 1,612,178 alleles (0.00043%); highest among the groups gnomAD compares: Non-Finnish European, 0.00017%; no homozygotes.

Submissions (5):

Ambry Genetics
Classification: Likely benign for Cardiovascular phenotype; Hereditary cancer-predisposing syndrome. Last evaluated: 2026-08-18. Review status: criteria provided, single submitter. Criteria: Ambry Variant Classification Scheme 2023. Collection method: clinical testing. Allele origin: germline.

Labcorp Genetics (formerly Invitae), Labcorp
Classification: Benign for Neurofibromatosis, type 1. Last evaluated: 2026-01-31. Review status: criteria provided, single submitter. Criteria: Invitae Variant Classification Sherloc (09022015). Collection method: clinical testing. Allele origin: germline.

Genome-Nilou Lab
Classification: Uncertain significance for Neurofibromatosis, type 1. Last evaluated: 2022-03-15. Review status: criteria provided, single submitter. Criteria: ACMG Guidelines, 2015. Collection method: clinical testing. Allele origin: germline. Affected: no.

GeneDx
Classification: Uncertain significance. Last evaluated: 2018-10-08. Review status: criteria provided, single submitter. Criteria: GeneDx Variant Classification Process June 2021. Collection method: clinical testing. Allele origin: germline. Affected: yes.
Comment: This variant is associated with the following publications: (PMID: 30287823)

Ambry Genetics
Classification: Uncertain significance for Hereditary cancer-predisposing syndrome. Last evaluated: 2014-04-26. Review status: criteria provided, single submitter. Criteria: Ambry Autosomal Dominant and X-Linked criteria (10/2015). Collection method: clinical testing. Allele origin: germline. Observed: 1 variant allele.
Comment: The p.T405A variant (also known as c.1213A>G), located in coding exon 11 of the NF1 gene, results from an A to G substitution at nucleotide position 1213. The threonine at codon 405 is replaced by alanine, an amino acid with similar properties. This variant was not reported in population based cohorts in the following databases: Database of Single Nucleotide Polymorphisms (dbSNP), NHLBI Exome Sequencing Project (ESP), and 1000 Genomes Project. To date, this alteration has been detected with an allele frequency of approximately 0.02% (greater than 5000 alleles tested) in our clinical cohort (includes this individual). This amino acid position is highly conserved in available vertebrate species. In addition, this alteration is predicted to be benign and tolerated by PolyPhen and SIFT in silico analyses, respectively. Since supporting evidence is limited at this time, the clinical significance of p.T405A remains unclear.